The following is an entry in ClinVar:

NM_001852.4(COL9A2):c.1832G>A (p.Arg611Gln)

Gene: COL9A2 (collagen type IX alpha 2 chain; minus strand). Cytogenetic location: 1p34.2.
Variant type: single nucleotide variant.
Coding change: c.1832G>A on transcript NM_001852.4 (MANE Select); coding-DNA position 1832, G replaced by A.
Protein change: p.Arg611Gln; replaces arginine 611 with glutamine.
Molecular consequence: missense variant.
Genome position (GRCh38, 1-based): chr1:40,301,850, C>T on the plus strand (G>A on the coding strand, the complement: COL9A2 is on the minus strand). VCF-style: chr1-40301850-C-T. GRCh37 (hg19) VCF-style: chr1-40767522-C-T.
Other names: short protein forms R611Q.
Identifiers: ClinVar variation 2393197 (VCV002393197.5), dbSNP rs755487302, ClinGen allele CA791314.

ClinVar aggregate classification (germline): Uncertain significance. Review status: criteria provided, multiple submitters, no conflicts (2 of 4 stars). 2 submissions from 2 submitters: Uncertain significance (2). Last evaluated 2025-08-31.

Conditions:
Inborn genetic diseases. Identifiers: MedGen C0950123, MeSH D030342.

Allele frequency attached by ClinVar (database versions not stated): ExAC 0.00002; gnomAD exomes 0.00001; TOPMed 0.00003; gnomAD 0.00001.
gnomAD v4.1: 10 of 1,614,010 alleles (0.00062%); highest among the groups gnomAD compares: South Asian, 0.0044%; no homozygotes.

Submissions (2):

Labcorp Genetics (formerly Invitae), Labcorp
Classification: Uncertain significance. Last evaluated: 2025-08-31. Review status: criteria provided, single submitter. Criteria: Invitae Variant Classification Sherloc (09022015). Collection method: clinical testing. Allele origin: germline.
Comment: This sequence change replaces arginine, which is basic and polar, with glutamine, which is neutral and polar, at codon 611 of the COL9A2 protein (p.Arg611Gln). This variant is present in population databases (rs755487302, gnomAD 0.01%). This variant has not been reported in the literature in individuals affected with COL9A2-related conditions. ClinVar contains an entry for this variant (Variation ID: 2393197). Invitae Evidence Modeling of protein sequence and biophysical properties (such as structural, functional, and spatial information, amino acid conservation, physicochemical variation, residue mobility, and thermodynamic stability) indicates that this missense variant is not expected to disrupt COL9A2 protein function with a negative predictive value of 95%. In summary, the available evidence is currently insufficient to determine the role of this variant in disease. Therefore, it has been classified as a Variant of Uncertain Significance.

Ambry Genetics
Classification: Uncertain significance for Inborn genetic diseases. Last evaluated: 2022-01-03. Review status: criteria provided, single submitter. Criteria: Ambry Variant Classification Scheme 2023. Collection method: clinical testing. Allele origin: germline.